The following is an entry in ClinVar:

ClinVar aggregate classification (germline): Uncertain significance. Review status: criteria provided, multiple submitters, no conflicts (2 of 4 stars). 2 submissions from 2 submitters: Uncertain significance (2). Last evaluated 2022-05-20.

Conditions:
Familial thoracic aortic aneurysm and aortic dissection (TAAD). Also called: Thoracic aortic aneurysms and dissections. Identifiers: Orphanet 91387, MedGen C4707243, MONDO:0019625.

Allele frequency attached by ClinVar (database versions not stated): gnomAD exomes 0.00001; TOPMed 0.00001.
gnomAD v4.1: 12 of 1,614,202 alleles (0.00074%); highest among the groups gnomAD compares: Non-Finnish European, 0.001%; no homozygotes.

Submissions (2):

Ambry Genetics
Classification: Uncertain significance for Familial thoracic aortic aneurysm and aortic dissection. Last evaluated: 2022-05-20. Review status: criteria provided, single submitter. Criteria: Ambry Variant Classification Scheme 2023. Collection method: clinical testing. Allele origin: germline.
Comment: The p.F454I variant (also known as c.1360T>A), located in coding exon 3 of the SLC2A10 gene, results from a T to A substitution at nucleotide position 1360. The phenylalanine at codon 454 is replaced by isoleucine, an amino acid with highly similar properties. This amino acid position is conserved. In addition, the in silico prediction for this alteration is inconclusive. Since supporting evidence is limited at this time, the clinical significance of this alteration remains unclear.

GeneDx
Classification: Uncertain significance. Last evaluated: 2021-03-30. Review status: criteria provided, single submitter. Criteria: GeneDx Variant Classification Process June 2021. Collection method: clinical testing. Allele origin: germline. Affected: yes.
Comment: Not observed in large population cohorts (Lek et al., 2016); In silico analysis supports that this missense variant does not alter protein structure/function; Has not been previously published as pathogenic or benign to our knowledge

NM_030777.4(SLC2A10):c.1360T>A (p.Phe454Ile)

Gene: SLC2A10 (solute carrier family 2 member 10; plus strand). Cytogenetic location: 20q13.12.
Variant type: single nucleotide variant.
Coding change: c.1360T>A on transcript NM_030777.4 (MANE Select); coding-DNA position 1360, T replaced by A.
Protein change: p.Phe454Ile; replaces phenylalanine 454 with isoleucine.
Molecular consequence: missense variant.
Genome position (GRCh38, 1-based): chr20:46,726,935, T>A. VCF-style: chr20-46726935-T-A. GRCh37 (hg19) VCF-style: chr20-45355574-T-A.
Other names: short protein forms F454I.
Identifiers: ClinVar variation 1314348 (VCV001314348.4), dbSNP rs1980003027, ClinGen allele CA409272018.